The following is an entry in ClinVar:

NM_004304.5(ALK):c.1636T>A (p.Ser546Thr)

Gene: ALK (ALK receptor tyrosine kinase; minus strand). Cytogenetic location: 2p23.2.
Variant type: single nucleotide variant.
Coding change: c.1636T>A on transcript NM_004304.5 (MANE Select); coding-DNA position 1636, T replaced by A.
Protein change: p.Ser546Thr; replaces serine 546 with threonine.
Molecular consequence: missense variant.
Genome position (GRCh38, 1-based): chr2:29,318,315, A>T on the plus strand (T>A on the coding strand, the complement: ALK is on the minus strand). VCF-style: chr2-29318315-A-T. GRCh37 (hg19) VCF-style: chr2-29541181-A-T.
Other names: short protein forms S546T.
Identifiers: ClinVar variation 4870044 (VCV004870044.1).

ClinVar aggregate classification (germline): Uncertain significance (1 of 4 stars; one submission).

Conditions:
Hereditary cancer-predisposing syndrome. Also called: Neoplastic Syndromes, Hereditary; Tumor predisposition; Hereditary Cancer Syndrome; Hereditary neoplastic syndrome. Identifiers: Orphanet 140162, MedGen C0027672, MeSH D009386, MONDO:0015356.

Submission:

Ambry Genetics
Classification: Uncertain significance for Hereditary cancer-predisposing syndrome. Last evaluated: 2026-04-11. Review status: criteria provided, single submitter. Criteria: Ambry Variant Classification Scheme 2023. Collection method: clinical testing. Allele origin: germline.
Comment: The p.S546T variant (also known as c.1636T>A), located in coding exon 8 of the ALK gene, results from a T to A substitution at nucleotide position 1636. The serine at codon 546 is replaced by threonine, an amino acid with similar properties. This amino acid position is conserved. In addition, this alteration is predicted to be tolerated by in silico analysis. Based on the available evidence, the clinical significance of this variant remains unclear.